The following is an entry in ClinVar:

NM_006648.4(WNK2):c.5387C>A (p.Ser1796Tyr)

Gene: WNK2 (WNK lysine deficient protein kinase 2; plus strand). Cytogenetic location: 9q22.31.
Variant type: single nucleotide variant.
Coding change: c.5387C>A on transcript NM_006648.4 (MANE Select); coding-DNA position 5387, C replaced by A.
Protein change: p.Ser1796Tyr; replaces serine 1796 with tyrosine.
Molecular consequence: missense variant.
Genome position (GRCh38, 1-based): chr9:93,292,852, C>A. VCF-style: chr9-93292852-C-A. GRCh37 (hg19) VCF-style: chr9-96055134-C-A.
Other names: c.5498C>A, p.Ser1833Tyr (NM_001282394.3); short protein forms S1833Y, S1796Y.
Identifiers: ClinVar variation 3470476 (VCV003470476.1).

ClinVar aggregate classification (germline): Uncertain significance (1 of 4 stars; one submission).

gnomAD v4.1: 2 of 1,493,670 alleles (0.00013%); highest among the groups gnomAD compares: East Asian, 0.0025%; no homozygotes.

Submission:

Ambry Genetics
Classification: Uncertain significance. Last evaluated: 2024-11-27. Review status: criteria provided, single submitter. Criteria: Ambry Variant Classification Scheme 2023. Collection method: clinical testing. Allele origin: germline.
Comment: The p.S1796Y variant (also known as c.5387C>A), located in coding exon 22 of the WNK2 gene, results from a C to A substitution at nucleotide position 5387. The serine at codon 1796 is replaced by tyrosine, an amino acid with dissimilar properties. This amino acid position is conserved. In addition, the in silico prediction for this alteration is inconclusive. Based on the available evidence, the clinical significance of this variant remains unclear.